The following is an entry in ClinVar:

NM_001330063.2(ANKFY1):c.10+340_10+342del

Gene: ANKFY1 (ankyrin repeat and FYVE domain containing 1; minus strand). Cytogenetic location: 17p13.2.
Variant type: Deletion.
Coding change: c.10+340_10+342del on transcript NM_001330063.2 (MANE Select); bases 340 to 342 of the intron after coding-DNA position 10, 3 bases deleted (AAG; older notation c.10+340_10+342delAAG).
Molecular consequence: intron variant.
Genome position (GRCh38, 1-based): chr17:4,263,590-4,263,592, CTT deleted on the plus strand (AAG on the coding strand, the reverse complement: ANKFY1 is on the minus strand). VCF-style (leftmost placement, unchanged base first): chr17-4263589-GCTT-G. GRCh37 (hg19) VCF-style: chr17-4166884-GCTT-G.
Other names: c.10+340_10+342del (NM_016376.5); c.136+3_136+5del (NM_001257999.3).
Identifiers: ClinVar variation 3056788 (VCV003056788.2), dbSNP rs746843549, ClinGen allele CA8301872.

ClinVar aggregate classification (germline): Likely benign (0 of 4 stars; one submission).

Conditions:
ANKFY1-related disorder. Also called: ANKFY1-related condition.

Allele frequency attached by ClinVar (database versions not stated): 1000 Genomes Project 30x 0.00047; ExAC 0.00047; TOPMed 0.00085; gnomAD 0.00114; gnomAD exomes 0.00151.

Submission:

PreventionGenetics, part of Exact Sciences
Classification: Likely benign for ANKFY1-related condition. Last evaluated: 2022-04-15. Review status: no assertion criteria provided. Collection method: clinical testing. Allele origin: germline.
Comment: This variant is classified as likely benign based on ACMG/AMP sequence variant interpretation guidelines (Richards et al. 2015 PMID: 25741868, with internal and published modifications).